The following is an entry in ClinVar:

ClinVar aggregate classification (germline): Likely pathogenic. Review status: criteria provided, single submitter (1 of 4 stars). 2 submissions from 2 submitters: Likely pathogenic (1). 1 of the submissions does not count toward it. Last evaluated 2024-03-01.

Conditions:
Ataxia-telangiectasia syndrome (AT). Also called: Ataxia-telangiectasia, complementation group E; AT, COMPLEMENTATION GROUP C; ATAXIA-TELANGIECTASIA, COMPLEMENTATION GROUP A; ATAXIA-TELANGIECTASIA, FRESNO VARIANT; Ataxia-telangiectasia; LOUIS-BAR SYNDROME. Identifiers: Orphanet 100, MedGen C0004135, MONDO:0008840, OMIM 208900.
Familial cancer of breast. Also called: hereditary breast carcinoma; Hereditary breast cancer; BREAST CANCER, FAMILIAL. Identifiers: Orphanet 227535, MedGen C0346153, MONDO:0016419, OMIM 114480. Disease mechanism: loss of function.
Hereditary breast ovarian cancer syndrome. Also called: Hereditary breast and ovarian cancer; BRCA1- and BRCA2-Associated Hereditary Breast and Ovarian Cancer; Hereditary breast and/or ovarian cancer syndrome; Hereditary breast and ovarian cancer syndrome; Hereditary breast and ovarian cancer syndrome (HBOC); Breast and ovarian cancer. Identifiers: Orphanet 145, MedGen C0677776, MeSH D061325, MONDO:0003582. Disease mechanism: loss of function.

Submissions (2):

Fulgent Genetics
Classification: Likely pathogenic for Familial cancer of breast; Ataxia-telangiectasia syndrome. Last evaluated: 2024-03-01. Review status: criteria provided, single submitter. Criteria: ACMG Guidelines, 2015. Collection method: clinical testing. Allele origin: germline.

Dr. Peter K. Rogan Lab, Western University
Classification: Likely pathogenic for Hereditary breast ovarian cancer syndrome. Last evaluated: 2015-12-22. Review status: no assertion criteria provided. Collection method: research. Allele origin: unknown. Affected: yes. Observed: 1 variant allele. Study: Caminsky_2016. Not counted in ClinVar's aggregate classification.

Literature cited by the submitters: PubMed 26898890 (cited by Dr. Peter K. Rogan Lab, Western University).

NM_000051.4(ATM):c.1924G>T (p.Glu642Ter)

Gene: ATM (ATM serine/threonine kinase; plus strand). Cytogenetic location: 11q22.3.
Variant type: single nucleotide variant.
Coding change: c.1924G>T on transcript NM_000051.4 (MANE Select); coding-DNA position 1924, G replaced by T.
Protein change: p.Glu642Ter; replaces glutamic acid 642 with a stop codon.
Molecular consequence: nonsense.
Genome position (GRCh38, 1-based): chr11:108,253,839, G>T. VCF-style: chr11-108253839-G-T. GRCh37 (hg19) VCF-style: chr11-108124566-G-T.
Other names: c.1924G>T, p.Glu642Ter (NM_001351834.2); c.1924G>T (NM_000051.3); short protein forms E642*.
Identifiers: ClinVar variation 221912 (VCV000221912.3), dbSNP rs1057519364, ClinGen allele CA16044128.
Genomic context (GRCh38, chr11:108,253,839, plus strand): 5'-TTGGTTTATATATTAAAGATCTTACTTTCTTGAAGTGAACACCACCAAAAAGATAAAGAA[G>T]AACTTTCATTCTCAGAAGTAGAAGAACTATTTCTTCAGACAACTTTTGACAAGATGGACT-3'